The following is an entry in ClinVar:

NM_004415.4(DSP):c.7184G>A (p.Gly2395Asp)

Gene: DSP (desmoplakin; plus strand). Cytogenetic location: 6p24.3.
Variant type: single nucleotide variant.
Coding change: c.7184G>A on transcript NM_004415.4 (MANE Select); coding-DNA position 7184, G replaced by A.
Protein change: p.Gly2395Asp; replaces glycine 2395 with aspartic acid.
Molecular consequence: missense variant.
Genome position (GRCh38, 1-based): chr6:7,584,446, G>A. VCF-style: chr6-7584446-G-A. GRCh37 (hg19) VCF-style: chr6-7584679-G-A.
Other names: c.7184G>A (LRG_423t1, NM_004415.3); c.5387G>A, p.Gly1796Asp (NM_001008844.3); c.5855G>A, p.Gly1952Asp (NM_001319034.2); short protein forms G2395D, G1952D, G1796D.
Identifiers: ClinVar variation 626494 (VCV000626494.13), dbSNP rs777930834, ClinGen allele CA049268.

ClinVar aggregate classification (germline): Conflicting classifications of pathogenicity. Review status: criteria provided, conflicting classifications (1 of 4 stars). 5 submissions from 5 submitters: Uncertain significance (4); Likely benign (1). Last evaluated 2026-03-27.

Conditions:
Cardiovascular phenotype. Identifiers: MedGen CN230736.
Cardiomyopathy (CMYO). Also called: Cardiomyopathies. Identifiers: Orphanet 167848, MedGen C0878544, MONDO:0004994, HP:0001638. Inheritance: Various modes of inheritance.
Arrhythmogenic right ventricular dysplasia 8 (ARVD8). Also called: ARRHYTHMOGENIC RIGHT VENTRICULAR DYSPLASIA, FAMILIAL, 8; ARRHYTHMOGENIC RIGHT VENTRICULAR CARDIOMYOPATHY 8; Arrhythmogenic Right Ventricular Dysplasia/Cardiomyopathy 8. Identifiers: MedGen C1843896, MONDO:0011831, OMIM 607450.
Arrhythmogenic cardiomyopathy with wooly hair and keratoderma. Also called: Carvajal syndrome; Dilated cardiomyopathy with woolly hair and keratoderma; Arrhythmogenic cardiomyopathy with woolly hair and keratoderma; PALMOPLANTAR KERATODERMA WITH LEFT VENTRICULAR CARDIOMYOPATHY AND WOOLLY HAIR. Identifiers: Orphanet 65282, MedGen C1854063, MONDO:0011581, OMIM 605676.

Allele frequency attached by ClinVar (database versions not stated): gnomAD exomes 0.00002 and 0.00001; ExAC 0.00002; TOPMed below 0.00001.

Submissions (5):

Molecular Diagnostic Laboratory for Inherited Cardiovascular Disease, Montreal Heart Institute
Classification: Uncertain significance for Cardiovascular phenotype. Last evaluated: 2026-03-27. Review status: criteria provided, single submitter. Criteria: ACMG Guidelines, 2015. Collection method: clinical testing. Allele origin: germline. Affected: yes.
Comment: PM2, PP3

Ambry Genetics
Classification: Uncertain significance for Cardiovascular phenotype. Last evaluated: 2024-10-23. Review status: criteria provided, single submitter. Criteria: Ambry Variant Classification Scheme 2023. Collection method: clinical testing. Allele origin: germline.
Comment: The p.G2395D variant (also known as c.7184G>A), located in coding exon 24 of the DSP gene, results from a G to A substitution at nucleotide position 7184. The glycine at codon 2395 is replaced by aspartic acid, an amino acid with similar properties. This amino acid position is highly conserved in available vertebrate species. In addition, this alteration is predicted to be deleterious by in silico analysis. Based on the available evidence, the clinical significance of this variant remains unclear.

All of Us Research Program, National Institutes of Health
Classification: Uncertain significance for Arrhythmogenic cardiomyopathy with wooly hair and keratoderma. Last evaluated: 2024-06-09. Review status: criteria provided, single submitter. Criteria: ACMG Guidelines, 2015. Collection method: clinical testing. Allele origin: germline. Inheritance: Autosomal dominant inheritance. Observed: 1 variant allele, 1 heterozygote.
Comment: This missense variant replaces glycine with aspartic acid at codon 2395 of the DSP protein. Computational prediction suggests that this variant may have deleterious impact on protein structure and function (internally defined REVEL score threshold >= 0.7, PMID: 27666373). To our knowledge, functional studies have not been reported for this variant. This variant has not been reported in individuals affected with DSP-related disorders in the literature. This variant has been identified in 5/251448 chromosomes in the general population by the Genome Aggregation Database (gnomAD). The available evidence is insufficient to determine the role of this variant in disease conclusively. Therefore, this variant is classified as a Variant of Uncertain Significance.

This study involves interpretation of variants in research participants for the purpose of population health screening. Participant phenotype was not available at the time of variant classification. Additional details can be found in publication PMID: 35346344, PMCID: PMC8962531

CHEO Genetics Diagnostic Laboratory, Children's Hospital of Eastern Ontario
Classification: Uncertain significance for Cardiomyopathy. Last evaluated: 2023-06-09. Review status: criteria provided, single submitter. Criteria: ACMG Guidelines, 2015. Collection method: clinical testing. Allele origin: germline. Study: Canadian Open Genetics Repository.

Labcorp Genetics (formerly Invitae), Labcorp
Classification: Likely benign for Arrhythmogenic cardiomyopathy with wooly hair and keratoderma; Arrhythmogenic right ventricular dysplasia 8. Last evaluated: 2022-12-06. Review status: criteria provided, single submitter. Criteria: Invitae Variant Classification Sherloc (09022015). Collection method: clinical testing. Allele origin: germline.